The following is an entry in ClinVar:

ClinVar aggregate classification (germline): Pathogenic (1 of 4 stars; one submission).

Submission:

Labcorp Genetics (formerly Invitae), Labcorp
Classification: Pathogenic. Last evaluated: 2022-02-08. Review status: criteria provided, single submitter. Criteria: Invitae Variant Classification Sherloc (09022015). Collection method: clinical testing. Allele origin: germline.
Comment: For these reasons, this variant has been classified as Pathogenic. This sequence change creates a premature translational stop signal (p.Gly327Alafs*302) in the COL2A1 gene. It is expected to result in an absent or disrupted protein product. Loss-of-function variants in COL2A1 are known to be pathogenic (PMID: 20179744). This variant is not present in population databases (gnomAD no frequency). This variant has not been reported in the literature in individuals affected with COL2A1-related conditions.

Literature cited by the submitters: PubMed 20179744.

NM_001844.5(COL2A1):c.980del (p.Gly327fs)

Gene: COL2A1 (collagen type II alpha 1 chain; minus strand). Cytogenetic location: 12q13.11.
Variant type: Deletion.
Coding change: c.980del on transcript NM_001844.5 (MANE Select); coding-DNA position 980, one base deleted (G; older notation c.980delG).
Protein change: p.Gly327fs; shifts the reading frame from glycine 327.
Molecular consequence: frameshift variant.
Genome position (GRCh38, 1-based): chr12:47,992,921, C deleted on the plus strand (G on the coding strand, the reverse complement: COL2A1 is on the minus strand); the first of 2 consecutive C bases (chr12:47,992,921-47,992,922); deleting either gives the same sequence. VCF-style (leftmost placement, unchanged base first): chr12-47992920-GC-G. GRCh37 (hg19) VCF-style: chr12-48386703-GC-G.
Other names: c.773del, p.Gly258fs (NM_033150.3); short protein forms G327fs, G258fs.
Identifiers: ClinVar variation 2095275 (VCV002095275.4), dbSNP rs2540165666, ClinGen allele CA2580085629.